The following is an entry in ClinVar:

NM_001197104.2(KMT2A):c.3461_3469del (p.Arg1154_Gly1156del)

Gene: KMT2A (lysine methyltransferase 2A; plus strand). Cytogenetic location: 11q23.3.
Variant type: Deletion.
Coding change: c.3461_3469del on transcript NM_001197104.2 (MANE Select); coding-DNA positions 3461 to 3469, 9 bases deleted (GGTGTGGGC; older notation c.3461_3469delGGTGTGGGC).
Protein change: p.Arg1154_Gly1156del.
Genome position (GRCh38, 1-based): chr11:118,478,093-118,478,101, GGTGTGGGC deleted; deleting any 9 consecutive bases within chr11:118,478,090-118,478,101 gives the same sequence; the c. name uses the placement nearest the transcript's 3' end. VCF-style (leftmost placement, unchanged base first): chr11-118478089-AGGCGGTGTG-A. GRCh37 (hg19) VCF-style: chr11-118348804-AGGCGGTGTG-A.
Other names: c.3560_3568del, p.Arg1187_Gly1189del (NM_001412597.1); c.3461_3469del, p.Arg1154_Gly1156del (NM_005933.4).
Identifiers: ClinVar variation 3722099 (VCV003722099.3).

ClinVar aggregate classification (germline): Pathogenic. Review status: criteria provided, multiple submitters, no conflicts (2 of 4 stars). 2 submissions from 2 submitters: Pathogenic (2). Last evaluated 2024-12-16.

Conditions:
Inborn genetic diseases. Identifiers: MedGen C0950123, MeSH D030342.

Submissions (2):

Ambry Genetics
Classification: Pathogenic for Inborn genetic diseases. Last evaluated: 2024-12-16. Review status: criteria provided, single submitter. Criteria: Ambry Variant Classification Scheme 2023. Collection method: clinical testing. Allele origin: germline.
Comment: The c.3461_3469delGGTGTGGGC (p.R1154_G1156del) alteration is located in exon 5 (coding exon 5) of the KMT2A gene. This alteration consists of an in-frame deletion of 9 nucleotides between nucleotide positions c.3461 and c.3469, resulting in the deletion of 3 residues. The impacted region is critical for protein function (Ambry internal data). This variant was not reported in population-based cohorts in the Genome Aggregation Database (gnomAD). These amino acid positions are highly conserved in available vertebrate species. This alteration is predicted to be deleterious by in silico analysis (Choi, 2012). Based on the available evidence, this alteration is classified as pathogenic.

Labcorp Genetics (formerly Invitae), Labcorp
Classification: Pathogenic. Last evaluated: 2024-10-03. Review status: criteria provided, single submitter. Criteria: Invitae Variant Classification Sherloc (09022015). Collection method: clinical testing. Allele origin: germline.
Comment: This variant, c.3461_3469del, results in the deletion of 3 amino acid(s) of the KMT2A protein (p.Arg1154_Gly1156del), but otherwise preserves the integrity of the reading frame. This variant is not present in population databases (gnomAD no frequency). This variant has not been reported in the literature in individuals affected with KMT2A-related conditions. This variant disrupts a region of the KMT2A protein in which other variant(s) (p.Arg1154Trp) have been determined to be pathogenic (PMID: 29203834, 29574747, 33043602). This suggests that this is a clinically significant region of the protein, and that variants that disrupt it are likely to be disease-causing. For these reasons, this variant has been classified as Pathogenic.

Literature cited by the submitters: PubMed 29203834 (cited by Labcorp Genetics (formerly Invitae), Labcorp); PubMed 29574747 (cited by Labcorp Genetics (formerly Invitae), Labcorp); PubMed 33043602 (cited by Labcorp Genetics (formerly Invitae), Labcorp).